The following is an entry in ClinVar:

NM_005529.7(HSPG2):c.5665G>A (p.Ala1889Thr)

Gene: HSPG2 (heparan sulfate proteoglycan 2; minus strand). Cytogenetic location: 1p36.12.
Variant type: single nucleotide variant.
Coding change: c.5665G>A on transcript NM_005529.7 (MANE Select); coding-DNA position 5665, G replaced by A.
Protein change: p.Ala1889Thr; replaces alanine 1889 with threonine.
Molecular consequence: missense variant.
Genome position (GRCh38, 1-based): chr1:21,855,823, C>T on the plus strand (G>A on the coding strand, the complement: HSPG2 is on the minus strand). VCF-style: chr1-21855823-C-T. GRCh37 (hg19) VCF-style: chr1-22182316-C-T.
Other names: c.5665G>A (NM_005529.5); c.5668G>A, p.Ala1890Thr (NM_001291860.2); short protein forms A1889T, A1890T.
Identifiers: ClinVar variation 1982126 (VCV001982126.2), dbSNP rs761864990, ClinGen allele CA671840.

ClinVar aggregate classification (germline): Uncertain significance. Review status: criteria provided, multiple submitters, no conflicts (2 of 4 stars). 2 submissions from 2 submitters: Uncertain significance (2). Last evaluated 2025-08-14.

Allele frequency attached by ClinVar (database versions not stated): ExAC 0.00002; TOPMed 0.00002; gnomAD 0.00001; gnomAD exomes 0.00001.
gnomAD v4.1: 18 of 1,613,046 alleles (0.0011%); highest among the groups gnomAD compares: Admixed American, 0.0067%; no homozygotes.

Submissions (2):

GeneDx
Classification: Uncertain significance. Last evaluated: 2025-08-14. Review status: criteria provided, single submitter. Criteria: GeneDx Variant Classification Process June 2021. Collection method: clinical testing. Allele origin: germline. Affected: yes.
Comment: In silico analysis supports that this missense variant has a deleterious effect on protein structure/function; Has not been previously published as pathogenic or benign to our knowledge

Labcorp Genetics (formerly Invitae), Labcorp
Classification: Uncertain significance. Last evaluated: 2022-08-16. Review status: criteria provided, single submitter. Criteria: Invitae Variant Classification Sherloc (09022015). Collection method: clinical testing. Allele origin: germline.
Comment: This sequence change replaces alanine, which is neutral and non-polar, with threonine, which is neutral and polar, at codon 1889 of the HSPG2 protein (p.Ala1889Thr). This variant is present in population databases (rs761864990, gnomAD 0.01%). This variant has not been reported in the literature in individuals affected with HSPG2-related conditions. Algorithms developed to predict the effect of missense changes on protein structure and function are either unavailable or do not agree on the potential impact of this missense change (SIFT: "Tolerated"; PolyPhen-2: "Possibly Damaging"; Align-GVGD: "Class C0"). In summary, the available evidence is currently insufficient to determine the role of this variant in disease. Therefore, it has been classified as a Variant of Uncertain Significance.